The following is an entry in ClinVar:

ClinVar aggregate classification (germline): Benign/Likely benign. Review status: criteria provided, multiple submitters, no conflicts (2 of 4 stars). 2 submissions from 2 submitters: Benign (1); Likely benign (1). Last evaluated 2026-07-09.

Conditions:
FRAS1-related disorder. Also called: FRAS1-related condition.

Allele frequency attached by ClinVar (database versions not stated): ESP Exome Variant Server 0.00008; ExAC 0.00024.
gnomAD v4.1: 175 of 1,613,498 alleles (0.011%); highest among the groups gnomAD compares: South Asian, 0.14%; 4 homozygotes.

Submissions (2):

PreventionGenetics, part of Exact Sciences
Classification: Likely benign for FRAS1-related condition. Last evaluated: 2026-07-09. Review status: criteria provided, single submitter. Criteria: ACMG Guidelines, 2015. Collection method: clinical testing. Allele origin: germline.
Comment: This variant is classified as likely benign based on ACMG/AMP sequence variant interpretation guidelines (Richards et al. 2015 PMID: 25741868, with internal and published modifications).

Labcorp Genetics (formerly Invitae), Labcorp
Classification: Benign. Last evaluated: 2025-10-01. Review status: criteria provided, single submitter. Criteria: Invitae Variant Classification Sherloc (09022015). Collection method: clinical testing. Allele origin: germline.

NM_025074.7(FRAS1):c.4065C>T (p.Ala1355=)

Gene: FRAS1 (Fraser extracellular matrix complex subunit 1; plus strand). Cytogenetic location: 4q21.21.
Variant type: single nucleotide variant.
Coding change: c.4065C>T on transcript NM_025074.7 (MANE Select); coding-DNA position 4065, C replaced by T.
Protein change: p.Ala1355=; no amino-acid change (alanine 1355 retained).
Molecular consequence: synonymous variant.
Genome position (GRCh38, 1-based): chr4:78,400,823, C>T. VCF-style: chr4-78400823-C-T. GRCh37 (hg19) VCF-style: chr4-79321977-C-T.
Other names: c.4065C>T, p.Ala1355= (NM_001166133.2); c.4065C>T (NM_025074.6).
Identifiers: ClinVar variation 2884965 (VCV002884965.4), dbSNP rs371350147, ClinGen allele CA2977086.